The following is an entry in ClinVar:

NM_000744.7(CHRNA4):c.212C>T (p.Ala71Val)

Gene: CHRNA4 (cholinergic receptor nicotinic alpha 4 subunit; minus strand). Cytogenetic location: 20q13.33.
Variant type: single nucleotide variant.
Coding change: c.212C>T on transcript NM_000744.7 (MANE Select); coding-DNA position 212, C replaced by T.
Protein change: p.Ala71Val; replaces alanine 71 with valine.
Molecular consequence: missense variant. On other transcripts: 5 prime UTR variant (1), non-coding transcript variant (1).
Genome position (GRCh38, 1-based): chr20:63,359,564, G>A on the plus strand (C>T on the coding strand, the complement: CHRNA4 is on the minus strand). VCF-style: chr20-63359564-G-A. GRCh37 (hg19) VCF-style: chr20-61990916-G-A.
Other names: c.-335C>T (NM_001256573.2); short protein forms A71V.
Identifiers: ClinVar variation 432974 (VCV000432974.11), dbSNP rs753677594, ClinGen allele CA9957942.

ClinVar aggregate classification (germline): Uncertain significance. Review status: criteria provided, multiple submitters, no conflicts (2 of 4 stars). 2 submissions from 2 submitters: Uncertain significance (2). Last evaluated 2026-01-27.

Conditions:
Familial sleep-related hypermotor epilepsy. Also called: Autosomal Dominant Sleep-Related Hypermotor (Hyperkinetic) Epilepsy. Identifiers: Orphanet 98784, MedGen C3696898, MONDO:0000030.

Allele frequency attached by ClinVar (database versions not stated): gnomAD exomes 0.00001; ExAC 0.00001.
gnomAD v4.1: 9 of 1,612,724 alleles (0.00056%); highest among the groups gnomAD compares: Admixed American, 0.0033%; no homozygotes.

Submissions (2):

Labcorp Genetics (formerly Invitae), Labcorp
Classification: Uncertain significance. Last evaluated: 2026-01-27. Review status: criteria provided, single submitter. Criteria: Invitae Variant Classification Sherloc (09022015). Collection method: clinical testing. Allele origin: germline.
Comment: This sequence change replaces alanine, which is neutral and non-polar, with valine, which is neutral and non-polar, at codon 71 of the CHRNA4 protein (p.Ala71Val). This variant is present in population databases (rs753677594, gnomAD 0.002%). This variant has not been reported in the literature in individuals affected with CHRNA4-related conditions. ClinVar contains an entry for this variant (Variation ID: 432974). Invitae Evidence Modeling of protein sequence and biophysical properties (such as structural, functional, and spatial information, amino acid conservation, physicochemical variation, residue mobility, and thermodynamic stability) indicates that this missense variant is not expected to disrupt CHRNA4 protein function with a negative predictive value of 80%. In summary, the available evidence is currently insufficient to determine the role of this variant in disease. Therefore, it has been classified as a Variant of Uncertain Significance.

GeneDx
Classification: Uncertain significance. Last evaluated: 2017-06-29. Review status: criteria provided, single submitter. Criteria: GeneDx Variant Classification (06012015). Collection method: clinical testing. Allele origin: germline. Affected: yes.
Comment: A variant of uncertain significance has been identified in the CHRNA4 gene. The A71V variant has not been published as a pathogenic variant, nor has it been reported as a benign variant to our knowledge. The A71V variant is observed in 1/65,436 (0.002%) alleles from individuals of European background (Lek et al., 2016; 1000 Genomes Consortium et al., 2015; Exome Variant Server). The A71V variant is a conservative amino acid substitution, which is not likely to impact secondary protein structure as these residues share similar properties. However, this substitution occurs at a position that is conserved across species. In silico analysis predicts this variant is probably damaging to the protein structure/function. Therefore, based on the currently available information, it is unclear whether this variant is a pathogenic variant or a rare benign variant.